The following is an entry in ClinVar:

NM_016239.4(MYO15A):c.9523G>A (p.Ala3175Thr)

Gene: MYO15A (myosin XVA; plus strand). Cytogenetic location: 17p11.2.
Variant type: single nucleotide variant.
Coding change: c.9523G>A on transcript NM_016239.4 (MANE Select); coding-DNA position 9523, G replaced by A.
Protein change: p.Ala3175Thr; replaces alanine 3175 with threonine.
Molecular consequence: missense variant.
Genome position (GRCh38, 1-based): chr17:18,162,590, G>A. VCF-style: chr17-18162590-G-A. GRCh37 (hg19) VCF-style: chr17-18065904-G-A.
Other names: short protein forms A3175T.
Identifiers: ClinVar variation 1331299 (VCV001331299.3), dbSNP rs367906164, ClinGen allele CA8425590.
Genomic context (GRCh38, chr17:18,162,590, plus strand): 5'-GCCCCTTTCTCCCACAGTCCACCTTGGGCGAGGCCTGAACTCCCTGCTTCTGCAGGGATC[G>A]CCAAGGCCTGCGAGCAGAACCTGCAGAAAACCTTGCGCTTCGGAGGTCGTCTGGAGCTCC-3'
Protein context (NP_057323.3, residues 3165-3185): RTPGLPFQGI[Ala3175Thr]KACEQNLQKT

ClinVar aggregate classification (germline): Uncertain significance. Review status: criteria provided, multiple submitters, no conflicts (2 of 4 stars). 2 submissions from 2 submitters: Uncertain significance (2). Last evaluated 2025-11-03.

Conditions:
Inborn genetic diseases. Identifiers: MedGen C0950123, MeSH D030342.

Allele frequency attached by ClinVar (database versions not stated): ESP Exome Variant Server 0.00008; ExAC 0.00003.
gnomAD v4.1: 29 of 1,613,600 alleles (0.0018%); highest among the groups gnomAD compares: Admixed American, 0.0033%; no homozygotes.

Submissions (2):

Ambry Genetics
Classification: Uncertain significance for Inborn genetic diseases. Last evaluated: 2025-11-03. Review status: criteria provided, single submitter. Criteria: Ambry Variant Classification Scheme 2023. Collection method: clinical testing. Allele origin: germline.

GeneDx
Classification: Uncertain significance. Last evaluated: 2021-06-28. Review status: criteria provided, single submitter. Criteria: GeneDx Variant Classification Process June 2021. Collection method: clinical testing. Allele origin: germline. Affected: yes.
Comment: Not observed at significant frequency in large population cohorts (Lek et al., 2016); In silico analysis supports that this missense variant has a deleterious effect on protein structure/function; Has not been previously published as pathogenic or benign to our knowledge; This variant is associated with the following publications: (PMID: 27535533)